The following is an entry in ClinVar:

NM_001166108.2(PALLD):c.2275C>G (p.Gln759Glu)

Genes: CBR4 (carbonyl reductase 4; minus strand), PALLD (palladin, cytoskeletal associated protein; plus strand). Cytogenetic location: 4q32.3.
Variant type: single nucleotide variant.
Coding change: c.2275C>G on transcript NM_001166108.2 (MANE Select); coding-DNA position 2275, C replaced by G.
Protein change: p.Gln759Glu; replaces glutamine 759 with glutamic acid.
Molecular consequence: missense variant.
Genome position (GRCh38, 1-based): chr4:168,898,517, C>G. VCF-style: chr4-168898517-C-G. GRCh37 (hg19) VCF-style: chr4-169819668-C-G.
Other names: c.1078C>G, p.Gln360Glu (NM_001166109.2); c.763C>G, p.Gln255Glu (NM_001166110.2); c.103C>G, p.Gln35Glu (NM_001367567.1, NM_001367569.1); c.154C>G, p.Gln52Glu (NM_001367568.1, NM_001367570.1); c.2224C>G, p.Gln742Glu (NM_016081.4); c.763C>G (NM_001166110.1); short protein forms Q255E, Q35E, Q360E, Q52E, Q742E, Q759E.
Identifiers: ClinVar variation 1056577 (VCV001056577.10), dbSNP rs1050591975, ClinGen allele CA358798603.

ClinVar aggregate classification (germline): Uncertain significance. Review status: criteria provided, multiple submitters, no conflicts (2 of 4 stars). 2 submissions from 2 submitters: Uncertain significance (2). Last evaluated 2025-01-27.

Conditions:
Pancreatic adenocarcinoma. Identifiers: MedGen C0281361, MONDO:0006047, HP:0006725.

gnomAD v4.1: 6 of 1,612,654 alleles (0.00037%); highest among the groups gnomAD compares: Non-Finnish European, 0.00051%; no homozygotes.

Submissions (2):

Ambry Genetics
Classification: Uncertain significance. Last evaluated: 2025-01-27. Review status: criteria provided, single submitter. Criteria: Ambry Variant Classification Scheme 2023. Collection method: clinical testing. Allele origin: germline.
Comment: The p.Q255E variant (also known as c.763C>G), located in coding exon 4 of the PALLD gene, results from a C to G substitution at nucleotide position 763. The glutamine at codon 255 is replaced by glutamic acid, an amino acid with highly similar properties. This amino acid position is conserved. In addition, the in silico prediction for this alteration is inconclusive. Based on the available evidence, the clinical significance of this variant remains unclear.

Labcorp Genetics (formerly Invitae), Labcorp
Classification: Uncertain significance for Pancreatic adenocarcinoma. Last evaluated: 2020-02-14. Review status: criteria provided, single submitter. Criteria: Invitae Variant Classification Sherloc (09022015). Collection method: clinical testing. Allele origin: germline.
Comment: This sequence change replaces glutamine with glutamic acid at codon 255 of the PALLD protein (p.Gln255Glu). The glutamine residue is highly conserved and there is a small physicochemical difference between glutamine and glutamic acid. This variant is not present in population databases (ExAC no frequency). This variant has not been reported in the literature in individuals with PALLD-related conditions. Algorithms developed to predict the effect of missense changes on protein structure and function are either unavailable or do not agree on the potential impact of this missense change (SIFT: "Deleterious"; PolyPhen-2: "Benign"; Align-GVGD: "Class C25"). In summary, the available evidence is currently insufficient to determine the role of this variant in disease. Therefore, it has been classified as a Variant of Uncertain Significance.